The following is an entry in ClinVar:

NM_001943.5(DSG2):c.1543G>A (p.Val515Ile)

Gene: DSG2 (desmoglein 2; plus strand). Cytogenetic location: 18q12.1.
Variant type: single nucleotide variant.
Coding change: c.1543G>A on transcript NM_001943.5 (MANE Select); coding-DNA position 1543, G replaced by A.
Protein change: p.Val515Ile; replaces valine 515 with isoleucine.
Molecular consequence: missense variant.
Genome position (GRCh38, 1-based): chr18:31,536,321, G>A. VCF-style: chr18-31536321-G-A. GRCh37 (hg19) VCF-style: chr18-29116284-G-A.
Other names: p.V515I:GTT>ATT; short protein forms V515I.
Identifiers: ClinVar variation 36010 (VCV000036010.37), dbSNP rs2230235, ClinGen allele CA021458.
Genomic context (GRCh38, chr18:31,536,321, plus strand): 5'-AACTGTCCCACACTGATAGAGCCTGTGCAGACAATCTGTCACGATGCAGAGTATGTGAAT[G>A]TTACTGCAGAGGACCTGGATGGACACCCAAACAGTGGCCCTTTCAGTTTCTCCGTCATTG-3'
Protein context (NP_001934.2, residues 505-525): TICHDAEYVN[Val515Ile]TAEDLDGHPN

ClinVar aggregate classification (germline): Benign/Likely benign. Review status: criteria provided, multiple submitters, no conflicts (2 of 4 stars). 18 submissions from 18 submitters: Benign (9); Likely benign (4). 5 of the submissions do not count toward it. Last evaluated 2026-02-03.

Conditions:
Cardiomyopathy (CMYO). Also called: Cardiomyopathies. Identifiers: Orphanet 167848, MedGen C0878544, MONDO:0004994, HP:0001638. Inheritance: Various modes of inheritance.
Systolic heart failure. Identifiers: MedGen C1135191, MONDO:0006993.
Arrhythmogenic right ventricular cardiomyopathy (ARVD). Also called: Arrhythmogenic Right Ventricular Cardiomyopathy (ARVC); Arrhythmogenic right ventricular dysplasia; Arrhythmogenic cardiomyopathy; Cardiomyopathy, ARVC. Identifiers: Orphanet 247, MedGen C0349788, MeSH D019571, MONDO:0016587. Disease mechanism: loss of function. Inheritance: Various modes of inheritance.
Arrhythmogenic right ventricular dysplasia 10. Also called: Arrhythmogenic right ventricular dysplasia/cardiomyopathy, type 10; ARRHYTHMOGENIC RIGHT VENTRICULAR DYSPLASIA, FAMILIAL, 10; Arrhythmogenic Right Ventricular Dysplasia/Cardiomyopathy10. Identifiers: MedGen C1857777, MONDO:0012434, OMIM 610193.

Allele frequency attached by ClinVar (database versions not stated): gnomAD exomes 0.00081 and 0.00208; gnomAD 0.00851 and 0.00917; TOPMed 0.00936; 1000 Genomes Project 0.00978; ESP Exome Variant Server 0.00766; 1000 Genomes Project 30x 0.01140.
gnomAD v4.1: 2,554 of 1,614,202 alleles (0.16%); highest among the groups gnomAD compares: African/African-American, 3%; 31 homozygotes.

Submissions (18):

Labcorp Genetics (formerly Invitae), Labcorp
Classification: Benign for Arrhythmogenic right ventricular dysplasia 10. Last evaluated: 2026-02-03. Review status: criteria provided, single submitter. Criteria: Invitae Variant Classification Sherloc (09022015). Collection method: clinical testing. Allele origin: germline.

Molecular Diagnostic Laboratory for Inherited Cardiovascular Disease, Montreal Heart Institute
Classification: Likely benign. Last evaluated: 2025-04-09. Review status: criteria provided, single submitter. Criteria: ACMG Guidelines, 2015. Collection method: clinical testing. Allele origin: germline. Affected: no.

ARUP Laboratories, Molecular Genetics and Genomics, ARUP Laboratories
Classification: Benign. Last evaluated: 2023-11-29. Review status: criteria provided, single submitter. Criteria: ARUP Molecular Germline Variant Investigation Process 2024. Collection method: clinical testing. Allele origin: germline.

Center for Advanced Laboratory Medicine, UC San Diego Health, University of California San Diego
Classification: Benign for Cardiomyopathy; Heart failure, systolic. Last evaluated: 2019-01-24. Review status: criteria provided, single submitter. Criteria: ACMG Guidelines, 2015. Collection method: clinical testing. Allele origin: germline. Affected: yes. Observed: 2 variant alleles.

Color Diagnostics, LLC DBA Color Health
Classification: Benign for Cardiomyopathy. Last evaluated: 2018-10-03. Review status: criteria provided, single submitter. Criteria: ACMG Guidelines, 2015. Collection method: clinical testing. Allele origin: germline.

CHEO Genetics Diagnostic Laboratory, Children's Hospital of Eastern Ontario
Classification: Benign for Cardiomyopathy. Last evaluated: 2018-03-01. Review status: criteria provided, single submitter. Criteria: ACMG Guidelines, 2015. Collection method: clinical testing. Allele origin: germline.

Illumina Laboratory Services, Illumina
Classification: Likely benign for Arrhythmogenic right ventricular dysplasia 10. Last evaluated: 2018-01-13. Review status: criteria provided, single submitter. Criteria: ICSL Variant Classification Criteria 13 December 2019. Collection method: clinical testing. Allele origin: germline.
Comment: This variant was observed in the ICSL laboratory as part of a predisposition screen in an ostensibly healthy population. It had not been previously curated by ICSL or reported in the Human Gene Mutation Database (HGMD: prior to June 1st, 2018), and was therefore a candidate for classification through an automated scoring system. Utilizing variant allele frequency, disease prevalence and penetrance estimates, and inheritance mode, an automated score was calculated to assess if this variant is too frequent to cause the disease. Based on the score and internal cut-off values, a variant classified as likely benign is not then subjected to further curation. The score for this variant resulted in a classification of likely benign for this disease.

Mayo Clinic Laboratories, Mayo Clinic
Classification: Benign. Last evaluated: 2016-02-18. Review status: criteria provided, single submitter. Criteria: ACMG Guidelines, 2015. Collection method: clinical testing. Allele origin: germline. Observed: 13 variant alleles.

Genomic Diagnostic Laboratory, Division of Genomic Diagnostics, Children's Hospital of Philadelphia
Classification: Likely benign for Arrhythmogenic right ventricular cardiomyopathy. Last evaluated: 2015-02-19. Review status: criteria provided, single submitter. Criteria: DGD Variant Analysis Guidelines. Collection method: clinical testing. Allele origin: unknown.

GeneDx
Classification: Benign. Last evaluated: 2014-03-22. Review status: criteria provided, single submitter. Criteria: GeneDx Variant Classification (06012015). Collection method: clinical testing. Allele origin: germline. Affected: yes.
Comment: This variant is considered likely benign or benign based on one or more of the following criteria: it is a conservative change, it occurs at a poorly conserved position in the protein, it is predicted to be benign by multiple in silico algorithms, and/or has population frequency not consistent with disease.

Biesecker Lab/Clinical Genomics Section, National Institutes of Health
Classification: Benign. Last evaluated: 2013-06-24. Review status: criteria provided, single submitter. Criteria: Ng et al. (Circ Cardiovasc Genet. 2013). Collection method: research. Allele origin: unknown. Observed: 4 variant alleles. Study: ClinSeq.
Comment: The study set was not selected for affection status in relation to any cancer. Pathogenicity categories were based on literature curation. See Pubmed ID:23861362 for details.

Medical sequencing

Laboratory for Molecular Medicine, Mass General Brigham Personalized Medicine
Classification: Benign. Last evaluated: 2009-02-22. Review status: criteria provided, single submitter. Criteria: LMM Criteria. Collection method: clinical testing. Allele origin: germline. Observed: 17 variant alleles.

Breakthrough Genomics
Classification: Likely benign. Review status: criteria provided, single submitter. Criteria: ACMG Guidelines, 2015. Collection method: not provided. Allele origin: germline. Inheritance: Autosomal recessive inheritance. Affected: yes.

Women's Health and Genetics/Laboratory Corporation of America, LabCorp
Classification: Benign for Cardiomyopathy. Last evaluated: 2013-02-11. Review status: no assertion criteria provided. Collection method: clinical testing. Allele origin: germline. Not counted in ClinVar's aggregate classification.

Clinical Genetics DNA and cytogenetics Diagnostics Lab, Erasmus MC, Erasmus Medical Center
Classification: Benign. Review status: no assertion criteria provided. Collection method: clinical testing. Allele origin: germline. Affected: yes. Study: VKGL Data-share Consensus. Not counted in ClinVar's aggregate classification.

Clinical Genetics, Academic Medical Center
Classification: Benign. Review status: no assertion criteria provided. Collection method: clinical testing. Allele origin: germline. Affected: yes. Study: VKGL Data-share Consensus. Not counted in ClinVar's aggregate classification.

Genome Diagnostics Laboratory, University Medical Center Utrecht
Classification: Benign. Review status: no assertion criteria provided. Collection method: clinical testing. Allele origin: germline. Affected: yes. Study: VKGL Data-share Consensus. Not counted in ClinVar's aggregate classification.

Joint Genome Diagnostic Labs from Nijmegen and Maastricht, Radboudumc and MUMC+
Classification: Benign. Review status: no assertion criteria provided. Collection method: clinical testing. Allele origin: germline. Affected: yes. Study: VKGL Data-share Consensus. Not counted in ClinVar's aggregate classification.